The following is an entry in ClinVar:

ClinVar aggregate classification (germline): Pathogenic (1 of 4 stars; one submission).

Conditions:
Choroideremia. Also called: Chorioretinal scalloped atrophy. Identifiers: Orphanet 180, MedGen C0008525, MONDO:0010557, OMIM 303100, HP:0001139.

Submission:

Victorian Clinical Genetics Services, Murdoch Childrens Research Institute
Classification: Pathogenic for Choroideremia. Last evaluated: 2022-02-02. Review status: criteria provided, single submitter. Criteria: ACMG Guidelines, 2015. Collection method: clinical testing. Allele origin: germline. Inheritance: X-linked inheritance. Affected: yes.
Comment: Based on the classification scheme VCGS_Germline_v1.3.4, this variant is classified as Pathogenic. Following criteria are met: 0102 - Loss of function is a known mechanism of disease in this gene and is associated with choroideremia (MIM# 303100). (I) 0110 - This gene is associated with X-linked disease. Males are predominantly affected, while females are usually unaffected however some may display symptoms similar to affected males due to skewed X-inactivation (PMID: 29555028). (I) 0201 - Variant is predicted to cause nonsense-mediated decay (NMD) and loss of protein (premature termination codon is located at least 54 nucleotides upstream of the final exon-exon junction). (SP) 0253 - This variant is hemizygous. (I) 0301 - Variant is absent from gnomAD (both v2 and v3). (SP) 0701 - Other NMD predicted variants comparable to the one identified in this case have very strong previous evidence for pathogenicity (DECIPHER). (SP) 0807 - This variant has no previous evidence of pathogenicity. (I) 0905 - No published segregation evidence has been identified for this variant. (I) 1007 - No published functional evidence has been identified for this variant. (I) 1208 - Inheritance information for this variant is not currently available in this individual. (I) Legend: (SP) - Supporting pathogenic, (I) - Information, (SB) - Supporting benign

Literature cited by the submitters: PubMed 29555028.

NM_000390.4(CHM):c.751_752del (p.Asn250_Val251insTer)

Gene: CHM (CHM Rab escort protein; minus strand). Cytogenetic location: Xq21.2.
Variant type: Deletion.
Coding change: c.751_752del on transcript NM_000390.4 (MANE Select); coding-DNA positions 751 to 752, 2 bases deleted (GT; older notation c.751_752delGT).
Protein change: p.Asn250_Val251insTer.
Molecular consequence: nonsense. On other transcripts: frameshift variant (1).
Genome position (GRCh38, 1-based): chrX:85,958,928-85,958,929, AC deleted on the plus strand (GT on the coding strand, the reverse complement: CHM is on the minus strand); deleting any 2 consecutive bases within chrX:85,958,928-85,958,930 gives the same sequence; the c. name uses the placement nearest the transcript's 3' end. VCF-style (leftmost placement, unchanged base first): chrX-85958927-AAC-A. GRCh37 (hg19) VCF-style: chrX-85213932-AAC-A.
Other names: c.751_752delGT (NM_000390.2); c.307_308del, p.Asn102_Val103insTer (NM_001320959.1, NM_001362517.1, NM_001362518.2 and 1 more transcripts).
Identifiers: ClinVar variation 1805107 (VCV001805107.2), dbSNP rs2520261159, ClinGen allele CA2573050694.
Genomic context (GRCh38, chrX:85,958,927, plus strand): 5'-CACTCGTCCTTCTCGAAATGCAAGAATCCTGGTAATATTTTTAAACTCTGCATATCGACT[AAC>A]ATTAGATTTGATTAGAAGATCAATTAGTAATCCTCGAGAATACAGCAGCTGTACAAAGAA-3'